The following is an entry in ClinVar:

ClinVar aggregate classification (germline): Conflicting classifications of pathogenicity. Review status: criteria provided, conflicting classifications (1 of 4 stars). 3 submissions from 3 submitters: Uncertain significance (2); Likely benign (1). Last evaluated 2026-01-05.

Allele frequency attached by ClinVar (database versions not stated): TOPMed 0.00079; gnomAD 0.00081 and 0.00083; 1000 Genomes Project 30x 0.00094; ESP Exome Variant Server 0.00100; 1000 Genomes Project 0.00120.
gnomAD v4.1: 224 of 1,610,936 alleles (0.014%); highest among the groups gnomAD compares: African/African-American, 0.26%; 1 homozygote.

Submissions (3):

Labcorp Genetics (formerly Invitae), Labcorp
Classification: Likely benign. Last evaluated: 2026-01-05. Review status: criteria provided, single submitter. Criteria: Invitae Variant Classification Sherloc (09022015). Collection method: clinical testing. Allele origin: germline.

GeneDx
Classification: Uncertain significance. Last evaluated: 2021-04-21. Review status: criteria provided, single submitter. Criteria: GeneDx Variant Classification Process June 2021. Collection method: clinical testing. Allele origin: germline. Affected: yes.
Comment: Intronic +5 splice site variant in a gene for which loss-of-function is a known mechanism of disease, and splice predictors support a deleterious effect; Has not been previously published as pathogenic or benign to our knowledge

Genetic Services Laboratory, University of Chicago
Classification: Uncertain significance. Last evaluated: 2016-05-19. Review status: criteria provided, single submitter. Criteria: ACMG Guidelines, 2015. Collection method: clinical testing. Allele origin: germline. Affected: no.

NM_022095.4(ZNF335):c.1646+5G>T

Gene: ZNF335 (zinc finger protein 335; minus strand). Cytogenetic location: 20q13.12.
Variant type: single nucleotide variant.
Coding change: c.1646+5G>T on transcript NM_022095.4 (MANE Select); 5 bases into the intron after coding-DNA position 1646, G replaced by T.
Molecular consequence: intron variant.
Genome position (GRCh38, 1-based): chr20:45,962,065, C>A on the plus strand (G>T on the coding strand, the complement: ZNF335 is on the minus strand). VCF-style: chr20-45962065-C-A. GRCh37 (hg19) VCF-style: chr20-44590704-C-A.
Identifiers: ClinVar variation 437349 (VCV000437349.16), dbSNP rs149232277, ClinGen allele CA9885668.
Genomic context (GRCh38, chr20:45,962,065, plus strand): 5'-CGGGCCTCCACTTCCCCACCCAACCTGGCCTCTCTTGCCCAGGTCCCTCCCACCCCCACA[C>A]TGACCGGTCCCGGCTGTGCACAGCGGCGTGCCGAATGACGTCCTTCCGGTAGACACTGGT-3'